The following is an entry in ClinVar:

NM_000553.6(WRN):c.809A>C (p.His270Pro)

Gene: WRN (WRN RecQ like helicase; plus strand). Cytogenetic location: 8p12.
Variant type: single nucleotide variant.
Coding change: c.809A>C on transcript NM_000553.6 (MANE Select); coding-DNA position 809, A replaced by C.
Protein change: p.His270Pro; replaces histidine 270 with proline.
Molecular consequence: missense variant.
Genome position (GRCh38, 1-based): chr8:31,076,257, A>C. VCF-style: chr8-31076257-A-C. GRCh37 (hg19) VCF-style: chr8-30933773-A-C.
Other names: short protein forms H270P.
Identifiers: ClinVar variation 1421894 (VCV001421894.8), dbSNP rs777770937, ClinGen allele CA4704166.

ClinVar aggregate classification (germline): Uncertain significance (1 of 4 stars; one submission).

Conditions:
Werner syndrome (WRN). Identifiers: Orphanet 902, MedGen C0043119, MONDO:0010196, OMIM 277700.

Allele frequency attached by ClinVar (database versions not stated): ExAC 0.00001; TOPMed 0.00001.
gnomAD v4.1: 2 of 1,613,796 alleles (0.00012%); highest among the groups gnomAD compares: African/African-American, 0.0027%; no homozygotes.

Submission:

Labcorp Genetics (formerly Invitae), Labcorp
Classification: Uncertain significance for Werner syndrome. Last evaluated: 2022-11-23. Review status: criteria provided, single submitter. Criteria: Invitae Variant Classification Sherloc (09022015). Collection method: clinical testing. Allele origin: germline.
Comment: In summary, the available evidence is currently insufficient to determine the role of this variant in disease. Therefore, it has been classified as a Variant of Uncertain Significance. Algorithms developed to predict the effect of missense changes on protein structure and function are either unavailable or do not agree on the potential impact of this missense change (SIFT: "Not Available"; PolyPhen-2: "Benign"; Align-GVGD: "Not Available"). ClinVar contains an entry for this variant (Variation ID: 1421894). This variant has not been reported in the literature in individuals affected with WRN-related conditions. This variant is present in population databases (rs777770937, gnomAD 0.007%). This sequence change replaces histidine, which is basic and polar, with proline, which is neutral and non-polar, at codon 270 of the WRN protein (p.His270Pro).